The following is an entry in ClinVar:

NM_024675.4(PALB2):c.2586+1G>T

Gene: PALB2 (partner and localizer of BRCA2; minus strand). Cytogenetic location: 16p12.2.
Variant type: single nucleotide variant.
Coding change: c.2586+1G>T on transcript NM_024675.4 (MANE Select); the canonical splice donor site of the intron after coding-DNA position 2586, G replaced by T.
Molecular consequence: splice donor variant. On other transcripts: intron variant (1).
Genome position (GRCh38, 1-based): chr16:23,629,203, C>A on the plus strand (G>T on the coding strand, the complement: PALB2 is on the minus strand). VCF-style: chr16-23629203-C-A. GRCh37 (hg19) VCF-style: chr16-23640524-C-A.
Other names: c.1701+1G>T (NM_001407308.1, NM_001407306.1, NM_001407307.1 and 5 more transcripts); c.120+1G>T (NM_001407314.1); c.798+1G>T (NM_001407313.1, NM_001407312.1); c.2526+1G>T (NM_001407296.1); c.2514+437G>T (NM_001407297.1); c.2586+1G>T (NM_001407302.1, NM_001407298.1, NM_001407300.1 and 2 more transcripts).
Identifiers: ClinVar variation 949945 (VCV000949945.9), dbSNP rs1375713365, ClinGen allele CA395123602.
Genomic context (GRCh38, chr16:23,629,203, plus strand): 5'-TCAGTTCATTAAAGTTTTCATATGTAAGACACGAGACACTGGAAGAGAATATTCTTCTGA[C>A]CTTTAACTCTGAAACCAATTGTAGGTTGCCTGGGTTTATGCTATCAGAAGCAGGAAGCTC-3'

ClinVar aggregate classification (germline): Pathogenic (1 of 4 stars; one submission).

Conditions:
Familial cancer of breast. Also called: BREAST CANCER, FAMILIAL; Hereditary breast cancer; hereditary breast carcinoma. Identifiers: Orphanet 227535, MedGen C0346153, MONDO:0016419, OMIM 114480. Disease mechanism: loss of function.

Allele frequency attached by ClinVar (database versions not stated): gnomAD exomes below 0.00001.
gnomAD v4.1: 2 of 1,608,786 alleles (0.00012%); highest among the groups gnomAD compares: South Asian, 0.0022%; no homozygotes.

Submission:

Labcorp Genetics (formerly Invitae), Labcorp
Classification: Pathogenic for Familial cancer of breast. Last evaluated: 2025-07-29. Review status: criteria provided, single submitter. Criteria: Invitae Variant Classification Sherloc (09022015). Collection method: clinical testing. Allele origin: germline.
Comment: This sequence change affects a donor splice site in intron 6 of the PALB2 gene. RNA analysis indicates that disruption of this splice site induces altered splicing and may result in an absent or altered protein product. This variant is present in population databases (no rsID available, gnomAD 0.003%). Disruption of this splice site has been observed in individual(s) with Fanconi anemia (PMID: 26990772). In at least one individual the data is consistent with being in trans (on the opposite chromosome) from a pathogenic variant. It has also been observed to segregate with disease in related individuals. ClinVar contains an entry for this variant (Variation ID: 949945). Studies have shown that disruption of this splice site results in retention of intron 6, and produces a non-functional protein and/or introduces a premature termination codon (internal data). For these reasons, this variant has been classified as Pathogenic.

Literature cited by the submitters: PubMed 26990772.